The following is an entry in ClinVar:

ClinVar aggregate classification (germline): Uncertain significance (1 of 4 stars; one submission).

Conditions:
Developmental delay with variable intellectual disability and dysmorphic facies. Identifiers: MedGen C5774242, MONDO:0859306, OMIM 620098.

Submission:

Laboratorio de Genetica e Diagnostico Molecular, Hospital Israelita Albert Einstein
Classification: Uncertain significance for Developmental delay with variable intellectual disability and dysmorphic facies. Last evaluated: 2024-06-09. Review status: criteria provided, single submitter. Criteria: ACMG Guidelines, 2015. Collection method: clinical testing. Allele origin: germline. Affected: yes.
Comment: ACMG classification criteria: PM2 supporting, BP4 supporting

NM_004973.4(JARID2):c.3193A>T (p.Ile1065Phe)

Gene: JARID2 (jumonji and AT-rich interaction domain containing 2; plus strand). Cytogenetic location: 6p22.3.
Variant type: single nucleotide variant.
Coding change: c.3193A>T on transcript NM_004973.4 (MANE Select); coding-DNA position 3193, A replaced by T.
Protein change: p.Ile1065Phe; replaces isoleucine 1065 with phenylalanine.
Molecular consequence: missense variant.
Genome position (GRCh38, 1-based): chr6:15,512,972, A>T. VCF-style: chr6-15512972-A-T. GRCh37 (hg19) VCF-style: chr6-15513203-A-T.
Other names: c.2677A>T, p.Ile893Phe (NM_001267040.1); short protein forms I1065F, I893F.
Identifiers: ClinVar variation 4056510 (VCV004056510.1).